The following is an entry in ClinVar:

NM_152564.5(VPS13B):c.4225-6G>A

Gene: VPS13B (vacuolar protein sorting 13 homolog B; plus strand). Cytogenetic location: 8q22.2.
Variant type: single nucleotide variant.
Coding change: c.4225-6G>A on transcript NM_152564.5 (MANE Select); 6 bases into the intron before coding-DNA position 4225, G replaced by A.
Molecular consequence: intron variant.
Genome position (GRCh38, 1-based): chr8:99,511,098, G>A. VCF-style: chr8-99511098-G-A. GRCh37 (hg19) VCF-style: chr8-100523326-G-A.
Other names: c.4225-6G>A (NM_152564.4); c.4300-6G>A (NM_017890.5, NM_017890.3).
Identifiers: ClinVar variation 286663 (VCV000286663.27), dbSNP rs199755508, ClinGen allele CA4823500.

ClinVar aggregate classification (germline): Conflicting classifications of pathogenicity. Review status: criteria provided, conflicting classifications (1 of 4 stars). 9 submissions from 9 submitters: Uncertain significance (3); Likely benign (3). 3 of the submissions do not count toward it. Last evaluated 2026-05-29.

Conditions:
Cohen syndrome (COH1). Also called: PEPPER SYNDROME; Cutis verticis gyrata, retinitis pigmentosa, and sensorineural deafness. Identifiers: Orphanet 193, MedGen C0265223, MONDO:0008999, OMIM 216550.
Inborn genetic diseases. Identifiers: MedGen C0950123, MeSH D030342.
VPS13B-related disorder. Also called: VPS13B-related condition.

Allele frequency attached by ClinVar (database versions not stated): 1000 Genomes Project 30x 0.00016; TOPMed 0.00017; gnomAD 0.00018 and 0.00019; 1000 Genomes Project 0.00020; ExAC 0.00023; gnomAD exomes 0.00025 and 0.00034; ESP Exome Variant Server 0.00031.
gnomAD v4.1: 524 of 1,610,990 alleles (0.033%); highest among the groups gnomAD compares: Middle Eastern, 0.56%; 2 homozygotes.

Submissions (9):

PreventionGenetics, part of Exact Sciences
Classification: Likely benign for VPS13B-related condition. Last evaluated: 2026-05-29. Review status: criteria provided, single submitter. Criteria: ACMG Guidelines, 2015. Collection method: clinical testing. Allele origin: germline.
Comment: This variant is classified as likely benign based on ACMG/AMP sequence variant interpretation guidelines (Richards et al. 2015 PMID: 25741868, with internal and published modifications).

Labcorp Genetics (formerly Invitae), Labcorp
Classification: Likely benign for Cohen syndrome. Last evaluated: 2026-02-01. Review status: criteria provided, single submitter. Criteria: Invitae Variant Classification Sherloc (09022015). Collection method: clinical testing. Allele origin: germline.

Blueprint Genetics
Classification: Likely benign. Last evaluated: 2024-08-30. Review status: criteria provided, single submitter. Criteria: ACMG Guidelines, 2015. Collection method: clinical testing. Allele origin: germline.

Ambry Genetics
Classification: Uncertain significance for Inborn genetic diseases. Last evaluated: 2022-04-13. Review status: criteria provided, single submitter. Criteria: Ambry Variant Classification Scheme 2023. Collection method: clinical testing. Allele origin: germline.
Comment: The c.4300-6G>A intronic alteration consists of a G to A substitution 6 nucleotides before exon 29 (coding exon 28) of the VPS13B gene. Based on insufficient or conflicting evidence, the clinical significance of this alteration remains unclear.

Illumina Laboratory Services, Illumina
Classification: Uncertain significance for Cohen syndrome. Last evaluated: 2018-01-12. Review status: criteria provided, single submitter. Criteria: ICSL Variant Classification Criteria 13 December 2019. Collection method: clinical testing. Allele origin: germline.

Eurofins Ntd Llc (ga)
Classification: Uncertain significance. Last evaluated: 2016-03-03. Review status: criteria provided, single submitter. Criteria: EGL Classification Definitions 2015. Collection method: clinical testing. Allele origin: germline. Observed: 1 variant allele, 1 heterozygote.

Natera, Inc.
Classification: Likely benign for Cohen syndrome. Last evaluated: 2020-09-16. Review status: no assertion criteria provided. Collection method: clinical testing. Allele origin: germline. Not counted in ClinVar's aggregate classification.

Clinical Genetics DNA and cytogenetics Diagnostics Lab, Erasmus MC, Erasmus Medical Center
Classification: Likely benign. Review status: no assertion criteria provided. Collection method: clinical testing. Allele origin: germline. Affected: yes. Study: VKGL Data-share Consensus. Not counted in ClinVar's aggregate classification.

Clinical Genetics, Academic Medical Center
Classification: Likely benign. Review status: no assertion criteria provided. Collection method: clinical testing. Allele origin: germline. Affected: yes. Study: VKGL Data-share Consensus. Not counted in ClinVar's aggregate classification.